The following is an entry in ClinVar:

ClinVar aggregate classification (germline): Uncertain significance (1 of 4 stars; one submission).

Conditions:
Combined immunodeficiency due to CTPS1 deficiency. Also called: Severe combined immunodeficiency due to CTPS1 deficiency; Immunodeficiency 24. Identifiers: Orphanet 420573, MedGen C4014617, MONDO:0014391, OMIM 615897.

Allele frequency attached by ClinVar (database versions not stated): ExAC 0.00001; TOPMed 0.00002.

Submission:

Labcorp Genetics (formerly Invitae), Labcorp
Classification: Uncertain significance for Combined immunodeficiency due to CTPS1 deficiency. Last evaluated: 2022-04-04. Review status: criteria provided, single submitter. Criteria: Invitae Variant Classification Sherloc (09022015). Collection method: clinical testing. Allele origin: germline.
Comment: In summary, the available evidence is currently insufficient to determine the role of this variant in disease. Therefore, it has been classified as a Variant of Uncertain Significance. Algorithms developed to predict the effect of sequence changes on RNA splicing suggest that this variant may disrupt the consensus splice site. This variant has not been reported in the literature in individuals affected with CTPS1-related conditions. This variant is present in population databases (rs756476520, gnomAD 0.002%). This sequence change affects codon 412 of the CTPS1 mRNA. It is a 'silent' change, meaning that it does not change the encoded amino acid sequence of the CTPS1 protein.

NM_001905.4(CTPS1):c.1236C>T (p.Asn412=)

Gene: CTPS1 (CTP synthase 1; plus strand). Cytogenetic location: 1p34.2.
Variant type: single nucleotide variant.
Coding change: c.1236C>T on transcript NM_001905.4 (MANE Select); coding-DNA position 1236, C replaced by T.
Protein change: p.Asn412=; no amino-acid change (asparagine 412 retained).
Molecular consequence: synonymous variant. On other transcripts: non-coding transcript variant (1).
Genome position (GRCh38, 1-based): chr1:41,003,160, C>T. VCF-style: chr1-41003160-C-T. GRCh37 (hg19) VCF-style: chr1-41468832-C-T.
Other names: c.768C>T, p.Asn256= (NM_001301237.2).
Identifiers: ClinVar variation 2416650 (VCV002416650.7), dbSNP rs756476520, ClinGen allele CA795464.